The following is an entry in ClinVar:

NM_005027.4(PIK3R2):c.2040G>A (p.Ala680=)

Gene: PIK3R2 (phosphoinositide-3-kinase regulatory subunit 2; plus strand). Cytogenetic location: 19p13.11.
Variant type: single nucleotide variant.
Coding change: c.2040G>A on transcript NM_005027.4 (MANE Select); coding-DNA position 2040, G replaced by A.
Protein change: p.Ala680=; no amino-acid change (alanine 680 retained).
Molecular consequence: synonymous variant. On other transcripts: non-coding transcript variant (2).
Genome position (GRCh38, 1-based): chr19:18,169,147, G>A. VCF-style: chr19-18169147-G-A. GRCh37 (hg19) VCF-style: chr19-18279957-G-A.
Identifiers: ClinVar variation 4981099 (VCV004981099.1).

ClinVar aggregate classification (germline): Likely benign (1 of 4 stars; one submission).

Conditions:
PIK3R2-related disorder. Also called: PIK3R2-related condition.

gnomAD v4.1: 11 of 1,611,716 alleles (0.00068%); highest among the groups gnomAD compares: Middle Eastern, 0.017%; no homozygotes.

Submission:

PreventionGenetics, part of Exact Sciences
Classification: Likely benign for PIK3R2-related condition. Last evaluated: 2026-02-03. Review status: criteria provided, single submitter. Criteria: ACMG Guidelines, 2015. Collection method: clinical testing. Allele origin: germline.
Comment: This variant is classified as likely benign based on ACMG/AMP sequence variant interpretation guidelines (Richards et al. 2015 PMID: 25741868, with internal and published modifications).